The following is an entry in ClinVar:

ClinVar aggregate classification (germline): Benign. Review status: criteria provided, multiple submitters, no conflicts (2 of 4 stars). 4 submissions from 4 submitters: Benign (2). 2 of the submissions do not count toward it. Last evaluated 2018-02-13.

Conditions:
Myostatin-related muscle hypertrophy (MSLHP). Also called: MUSCLE HYPERTROPHY. Identifiers: Orphanet 275534, MedGen C2931112, MONDO:0013598, OMIM 614160.
MSTN-related disorder. Also called: MSTN-related condition.

Allele frequency attached by ClinVar (database versions not stated): gnomAD exomes 0.00357 and 0.00982; ExAC 0.01189; gnomAD 0.03744 and 0.04003; TOPMed 0.04240; ESP Exome Variant Server 0.04360; 1000 Genomes Project 0.04473; 1000 Genomes Project 30x 0.05091.
gnomAD v4.1: 11,118 of 1,613,374 alleles (0.69%); highest among the groups gnomAD compares: African/African-American, 13%; 660 homozygotes.

Submissions (4):

Illumina Laboratory Services, Illumina
Classification: Benign for Myostatin-related muscle hypertrophy. Last evaluated: 2018-02-13. Review status: criteria provided, single submitter. Criteria: ICSL Variant Classification Criteria 13 December 2019. Collection method: clinical testing. Allele origin: germline.
Comment: This variant was observed as part of a predisposition screen in an ostensibly healthy population. A literature search was performed for the gene, cDNA change, and amino acid change (where applicable). Publications were found based on this search. The evidence from the literature, in combination with allele frequency data from public databases where available, was sufficient to rule this variant out of causing disease. Therefore, this variant is classified as benign.

Breakthrough Genomics
Classification: Benign. Review status: criteria provided, single submitter. Criteria: ACMG Guidelines, 2015. Collection method: not provided. Allele origin: germline. Inheritance: Autosomal recessive inheritance. Affected: yes.

PreventionGenetics, part of Exact Sciences
Classification: Benign for MSTN-related condition. Last evaluated: 2020-01-21. Review status: no assertion criteria provided. Collection method: clinical testing. Allele origin: germline. Not counted in ClinVar's aggregate classification.
Comment: This variant is classified as benign based on ACMG/AMP sequence variant interpretation guidelines (Richards et al. 2015 PMID: 25741868, with internal and published modifications).

GeneReviews
No classification provided. Condition: Myostatin-related muscle hypertrophy. Review status: no classification provided. Collection method: literature only. Allele origin: unknown. Not counted in ClinVar's aggregate classification.

Literature cited by the submitters: PubMed 24479661 (cited by Illumina Laboratory Services, Illumina); PubMed 10610713 (cited by Illumina Laboratory Services, Illumina); PubMed 20301671 (cited by GeneReviews); NCBI Bookshelf NBK1498 (cited by GeneReviews).

NM_005259.3(MSTN):c.163G>A (p.Ala55Thr)

Genes: C2orf88 (chromosome 2 open reading frame 88; plus strand), MSTN (myostatin; minus strand). Cytogenetic location: 2q32.2.
Variant type: single nucleotide variant.
Coding change: c.163G>A on transcript NM_005259.3 (MANE Select); coding-DNA position 163, G replaced by A.
Protein change: p.Ala55Thr; replaces alanine 55 with threonine.
Molecular consequence: missense variant.
Genome position (GRCh38, 1-based): chr2:190,062,434, C>T on the plus strand (G>A on the coding strand, the complement: MSTN is on the minus strand). VCF-style: chr2-190062434-C-T. GRCh37 (hg19) VCF-style: chr2-190927160-C-T.
Other names: c.163G>A (LRG_200t1); short protein forms A55T.
Identifiers: ClinVar variation 65687 (VCV000065687.10), dbSNP rs1805085, ClinGen allele CA345028.